The following is an entry in ClinVar:

NM_003476.5(CSRP3):c.272A>T (p.Gln91Leu)

Gene: CSRP3 (cysteine and glycine rich protein 3; minus strand). Cytogenetic location: 11p15.1.
Variant type: single nucleotide variant.
Coding change: c.272A>T on transcript NM_003476.5 (MANE Select); coding-DNA position 272, A replaced by T.
Protein change: p.Gln91Leu; replaces glutamine 91 with leucine.
Molecular consequence: missense variant. On other transcripts: intron variant (1).
Genome position (GRCh38, 1-based): chr11:19,188,145, T>A on the plus strand (A>T on the coding strand, the complement: CSRP3 is on the minus strand). VCF-style: chr11-19188145-T-A. GRCh37 (hg19) VCF-style: chr11-19209692-T-A.
Other names: c.113-1797A>T (NM_001369404.1); short protein forms Q91L.
Identifiers: ClinVar variation 178014 (VCV000178014.19), dbSNP rs727504436, ClinGen allele CA181186.

ClinVar aggregate classification (germline): Uncertain significance. Review status: criteria provided, multiple submitters, no conflicts (2 of 4 stars). 7 submissions from 7 submitters: Uncertain significance (7). Last evaluated 2026-03-19.

Conditions:
CSRP3-related disorder. Also called: CSRP3-related condition; CSRP3-related disorders.
Cardiovascular phenotype. Identifiers: MedGen CN230736.
Hypertrophic cardiomyopathy 12. Identifiers: MedGen C2677491, MONDO:0012804, OMIM 612124.
Dilated cardiomyopathy 1M (CMD1M). Identifiers: Orphanet 154, MedGen C1843808, MONDO:0011840, OMIM 607482.
Hypertrophic cardiomyopathy 1 (CMH1). Also called: MYH7-Related Familial Hypertrophic Cardiomyopathy; Familial hypertrophic cardiomyopathy 1. Identifiers: MedGen C3495498, MONDO:0008647, OMIM 192600.

Allele frequency attached by ClinVar (database versions not stated): gnomAD exomes below 0.00001 and 0.00001; ExAC 0.00001; gnomAD 0.00007 and 0.00009; TOPMed 0.00008.
gnomAD v4.1: 20 of 1,614,102 alleles (0.0012%); highest among the groups gnomAD compares: African/African-American, 0.023%; no homozygotes.

Submissions (7):

PreventionGenetics, part of Exact Sciences
Classification: Uncertain significance for CSRP3-related condition. Last evaluated: 2026-03-19. Review status: criteria provided, single submitter. Criteria: ACMG Guidelines, 2015. Collection method: clinical testing. Allele origin: germline.
Comment: The CSRP3 c.272A>T variant is predicted to result in the amino acid substitution p.Gln91Leu. This variant has been reported in two individuals with hypertrophic cardiomyopathy (Bos et al. 2006. PubMed ID: 16352453; Theis et al. 2006. PubMed ID: 17097056). In vitro experimental studies showed the p.Gln91Leu disrupts oligomerization leading to a lower binding rate compared to wildtype protein (Støle et al. 2024. PubMed ID: 38891079). This variant is reported in 0.016% of alleles in individuals of African descent in gnomAD and is interpreted as uncertain in ClinVar (Variation ID: 178014). At this time, the clinical significance of this variant is uncertain due to the absence of conclusive functional and genetic evidence.

Labcorp Genetics (formerly Invitae), Labcorp
Classification: Uncertain significance for Hypertrophic cardiomyopathy 12; Dilated cardiomyopathy 1M. Last evaluated: 2026-01-05. Review status: criteria provided, single submitter. Criteria: Invitae Variant Classification Sherloc (09022015). Collection method: clinical testing. Allele origin: germline.
Comment: This sequence change replaces glutamine, which is neutral and polar, with leucine, which is neutral and non-polar, at codon 91 of the CSRP3 protein (p.Gln91Leu). This variant is present in population databases (rs727504436, gnomAD 0.02%). This missense change has been observed in individual(s) with autosomal dominant hypertrophic cardiomyopathy (PMID: 16352453). ClinVar contains an entry for this variant (Variation ID: 178014). An algorithm developed to predict the effect of missense changes on protein structure and function (PolyPhen-2) suggests that this variant is likely to be tolerated. In summary, the available evidence is currently insufficient to determine the role of this variant in disease. Therefore, it has been classified as a Variant of Uncertain Significance.

GeneDx
Classification: Uncertain significance. Last evaluated: 2025-07-08. Review status: criteria provided, single submitter. Criteria: GeneDx Variant Classification Process June 2021. Collection method: clinical testing. Allele origin: germline. Affected: yes.
Comment: Not observed at significant frequency in large population cohorts (gnomAD); Published functional studies suggest a damaging effect through stronger bonding of SDC4cyt, less oligomerization, and lower binding rate to wildtype protein (PMID: 38891079); In silico analysis suggests that this missense variant does not alter protein structure/function; This variant is associated with the following publications: (PMID: 30012424, 17097056, 38891079, 16352453)

Ambry Genetics
Classification: Uncertain significance for Cardiovascular phenotype. Last evaluated: 2024-10-09. Review status: criteria provided, single submitter. Criteria: Ambry Variant Classification Scheme 2023. Collection method: clinical testing. Allele origin: germline.
Comment: The p.Q91L variant (also known as c.272A>T), located in coding exon 2 of the CSRP3 gene, results from an A to T substitution at nucleotide position 272. The glutamine at codon 91 is replaced by leucine, an amino acid with dissimilar properties. This variant was reported in an individual with features consistent with hypertrophic cardiomyopathy (Bos JM et al. Mol. Genet. Metab., 2006 May;88:78-85;Theis JL et al. Biochem. Biophys. Res. Commun., 2006 Dec;351:896-902). This amino acid position is not well conserved in available vertebrate species. In addition, the in silico prediction for this alteration is inconclusive. Based on the available evidence, the clinical significance of this variant remains unclear.

Molecular Diagnostic Laboratory for Inherited Cardiovascular Disease, Montreal Heart Institute
Classification: Uncertain significance for Hypertrophic cardiomyopathy 1. Last evaluated: 2019-08-27. Review status: criteria provided, single submitter. Criteria: ACMG Guidelines, 2015. Collection method: clinical testing. Allele origin: germline. Affected: yes.

Fulgent Genetics
Classification: Uncertain significance for Dilated cardiomyopathy 1M; Hypertrophic cardiomyopathy 12. Last evaluated: 2018-10-31. Review status: criteria provided, single submitter. Criteria: ACMG Guidelines, 2015. Collection method: clinical testing. Allele origin: unknown.

Laboratory for Molecular Medicine, Mass General Brigham Personalized Medicine
Classification: Uncertain significance. Last evaluated: 2014-10-22. Review status: criteria provided, single submitter. Criteria: LMM Criteria. Collection method: clinical testing. Allele origin: germline. Observed: 1 variant allele.
Comment: The p.Gln91Leu variant in CSRP3 has been reported in 1 individual with HCM (Bos 2006) and was absent from large population studies. Computational prediction too ls and conservation analysis do not provide strong support for or against an imp act to the protein. In summary, the clinical significance of the p.Gln91Leu vari ant is uncertain.

Literature cited by the submitters: PubMed 16352453 (cited by 3 submitters); PubMed 17097056 (cited by Ambry Genetics); PubMed 38891079 (cited by Ambry Genetics).